The following is an entry in ClinVar:

NM_000069.3(CACNA1S):c.2065G>A (p.Gly689Ser)

Gene: CACNA1S (calcium voltage-gated channel subunit alpha1 S; minus strand). Cytogenetic location: 1q32.1.
Variant type: single nucleotide variant.
Coding change: c.2065G>A on transcript NM_000069.3 (MANE Select); coding-DNA position 2065, G replaced by A.
Protein change: p.Gly689Ser; replaces glycine 689 with serine.
Molecular consequence: missense variant.
Genome position (GRCh38, 1-based): chr1:201,073,641, C>T on the plus strand (G>A on the coding strand, the complement: CACNA1S is on the minus strand). VCF-style: chr1-201073641-C-T. GRCh37 (hg19) VCF-style: chr1-201042769-C-T.
Other names: c.2065G>A (NM_000069.2); short protein forms G689S.
Identifiers: ClinVar variation 2192989 (VCV002192989.8), dbSNP rs753313121, ClinGen allele CA078791.

ClinVar aggregate classification (germline): Conflicting classifications of pathogenicity. Review status: criteria provided, conflicting classifications (1 of 4 stars). 4 submissions from 4 submitters: Uncertain significance (3); Likely benign (1). Last evaluated 2025-06-09.

Conditions:
Malignant hyperthermia, susceptibility to, 5 (MHS5). Also called: CACNA1S-Related Malignant Hyperthermia Susceptibility. Identifiers: Orphanet 423, MedGen C1866077, MONDO:0011163, OMIM 601887.
Hypokalemic periodic paralysis, type 1. Also called: HypoPP; Hypokalemic Periodic Paralysis Type 1 (AD). Identifiers: Orphanet 681, MedGen C3714580, MONDO:0042979, OMIM 170400.
Inborn genetic diseases. Identifiers: MedGen C0950123, MeSH D030342.

Allele frequency attached by ClinVar (database versions not stated): gnomAD 0.00002; TOPMed 0.00002; ExAC 0.00005.
gnomAD v4.1: 18 of 1,613,632 alleles (0.0011%); highest among the groups gnomAD compares: East Asian, 0.031%; no homozygotes.

Submissions (4):

Labcorp Genetics (formerly Invitae), Labcorp
Classification: Likely benign for Hypokalemic periodic paralysis, type 1; Malignant hyperthermia, susceptibility to, 5. Last evaluated: 2025-06-09. Review status: criteria provided, single submitter. Criteria: Invitae Variant Classification Sherloc (09022015). Collection method: clinical testing. Allele origin: germline.

Color Diagnostics, LLC DBA Color Health
Classification: Uncertain significance for Malignant hyperthermia, susceptibility to, 5. Last evaluated: 2024-04-23. Review status: criteria provided, single submitter. Criteria: ACMG Guidelines, 2015. Collection method: clinical testing. Allele origin: germline.
Comment: This missense variant replaces glycine with serine at codon 689 of the CACNA1S protein. Computational prediction suggests that this variant may not impact protein structure and function (internally defined REVEL score threshold <= 0.5, PMID: 27666373). To our knowledge, functional studies have not been reported for this variant. This variant has not been reported in individuals affected with CACNA1S-related disorders in the literature. This variant has been identified in 19/282886 chromosomes in the general population by the Genome Aggregation Database (gnomAD). The available evidence is insufficient to determine the role of this variant in disease conclusively. Therefore, this variant is classified as a Variant of Uncertain Significance.

Ambry Genetics
Classification: Uncertain significance for Inborn genetic diseases. Last evaluated: 2023-11-07. Review status: criteria provided, single submitter. Criteria: Ambry Variant Classification Scheme 2023. Collection method: clinical testing. Allele origin: germline.

Revvity Omics, Revvity
Classification: Uncertain significance. Last evaluated: 2023-03-15. Review status: criteria provided, single submitter. Criteria: ACMG Guidelines, 2015. Collection method: clinical testing. Allele origin: germline.